The following is an entry in ClinVar:

ClinVar aggregate classification (germline): Likely benign (1 of 4 stars; one submission).

gnomAD v4.1: 4 of 1,613,696 alleles (0.00025%); highest among the groups gnomAD compares: Admixed American, 0.0067%; no homozygotes.

Submission:

CeGaT Center for Human Genetics Tuebingen
Classification: Likely benign. Last evaluated: 2026-04-01. Review status: criteria provided, single submitter. Criteria: CeGaT Center For Human Genetics Tuebingen Variant Classification Criteria Version 2. Collection method: clinical testing. Allele origin: germline. Affected: yes. Observed: 1 variant allele.
Comment: FOXF1: BP4

NM_001451.3(FOXF1):c.343C>A (p.Arg115=)

Gene: FOXF1 (forkhead box F1; plus strand). Cytogenetic location: 16q24.1.
Variant type: single nucleotide variant.
Coding change: c.343C>A on transcript NM_001451.3 (MANE Select); coding-DNA position 343, C replaced by A.
Protein change: p.Arg115=; no amino-acid change (arginine 115 retained).
Molecular consequence: synonymous variant.
Genome position (GRCh38, 1-based): chr16:86,510,912, C>A. VCF-style: chr16-86510912-C-A. GRCh37 (hg19) VCF-style: chr16-86544518-C-A.
Identifiers: ClinVar variation 4874732 (VCV004874732.2).